The following is an entry in ClinVar:

NM_004408.4(DNM1):c.459G>A (p.Glu153=)

Genes: DNM1 (dynamin 1; plus strand), LOC113839516 (Sharpr-MPRA regulatory region 8497; plus strand). Cytogenetic location: 9q34.11.
Variant type: single nucleotide variant.
Coding change: c.459G>A on transcript NM_004408.4 (MANE Select); coding-DNA position 459, G replaced by A.
Protein change: p.Glu153=; no amino-acid change (glutamic acid 153 retained).
Molecular consequence: synonymous variant.
Genome position (GRCh38, 1-based): chr9:128,219,122, G>A. VCF-style: chr9-128219122-G-A. GRCh37 (hg19) VCF-style: chr9-130981401-G-A.
Other names: c.459G>A, p.Glu153= (NM_001005336.3, NM_001288737.2, NM_001288738.2 and 1 more transcripts).
Identifiers: ClinVar variation 681544 (VCV000681544.1), dbSNP rs1588352483, ClinGen allele CA467270208.

ClinVar aggregate classification (germline): Likely benign (1 of 4 stars; one submission).

Allele frequency attached by ClinVar (database versions not stated): gnomAD exomes below 0.00001.
gnomAD v4.1: 1 of 1,614,174 alleles (0.000062%); highest among the groups gnomAD compares: Non-Finnish European, 0.000085%; no homozygotes.

Submission:

GeneDx
Classification: Likely benign. Last evaluated: 2018-04-04. Review status: criteria provided, single submitter. Criteria: GeneDx Variant Classification (06012015). Collection method: clinical testing. Allele origin: germline. Affected: yes.
Comment: This variant is considered likely benign or benign based on one or more of the following criteria: it is a conservative change, it occurs at a poorly conserved position in the protein, it is predicted to be benign by multiple in silico algorithms, and/or has population frequency not consistent with disease.